The following is an entry in ClinVar:

ClinVar aggregate classification (germline): Benign/Likely benign. Review status: criteria provided, multiple submitters, no conflicts (2 of 4 stars). 2 submissions from 2 submitters: Benign (1); Likely benign (1). Last evaluated 2026-01-19.

Conditions:
Polyhydramnios, megalencephaly, and symptomatic epilepsy (PMSE). Also called: PMSE SYNDROME. Identifiers: Orphanet 500533, MedGen C1970203, MONDO:0012611, OMIM 611087.

Allele frequency attached by ClinVar (database versions not stated): gnomAD 0.00006 and 0.00026; ESP Exome Variant Server 0.00008; TOPMed 0.00008; gnomAD exomes 0.00057; ExAC 0.00069; 1000 Genomes Project 30x 0.00203; 1000 Genomes Project 0.00220.
gnomAD v4.1: 595 of 1,614,178 alleles (0.037%); highest among the groups gnomAD compares: South Asian, 0.51%; no homozygotes.

Submissions (2):

Labcorp Genetics (formerly Invitae), Labcorp
Classification: Benign for Polyhydramnios, megalencephaly, and symptomatic epilepsy. Last evaluated: 2026-01-19. Review status: criteria provided, single submitter. Criteria: Invitae Variant Classification Sherloc (09022015). Collection method: clinical testing. Allele origin: germline.

CeGaT Center for Human Genetics Tuebingen
Classification: Likely benign. Last evaluated: 2025-03-01. Review status: criteria provided, single submitter. Criteria: CeGaT Center For Human Genetics Tuebingen Variant Classification Criteria Version 2. Collection method: clinical testing. Allele origin: germline. Affected: yes. Observed: 1 variant allele.
Comment: STRADA: BP4, BP7

NM_001003787.4(STRADA):c.738C>T (p.Pro246=)

Gene: STRADA (STE20 related adaptor alpha; minus strand). Cytogenetic location: 17q23.3.
Variant type: single nucleotide variant.
Coding change: c.738C>T on transcript NM_001003787.4 (MANE Select); coding-DNA position 738, C replaced by T.
Protein change: p.Pro246=; no amino-acid change (proline 246 retained).
Molecular consequence: synonymous variant.
Genome position (GRCh38, 1-based): chr17:63,707,262, G>A on the plus strand (C>T on the coding strand, the complement: STRADA is on the minus strand). VCF-style: chr17-63707262-G-A. GRCh37 (hg19) VCF-style: chr17-61784622-G-A.
Other names: c.627C>T, p.Pro209= (NM_001003786.3, NM_001363789.1, NM_153335.6); c.564C>T, p.Pro188= (NM_001003788.3, NM_001363790.1, NM_001363791.1); c.651C>T, p.Pro217= (NM_001165969.2, NM_001363787.1); c.606C>T, p.Pro202= (NM_001165970.2); c.714C>T, p.Pro238= (NM_001363786.1); c.738C>T, p.Pro246= (NM_001363788.1).
Identifiers: ClinVar variation 772263 (VCV000772263.18), dbSNP rs199569051, ClinGen allele CA8703304.